The following is an entry in ClinVar:

NM_000057.4(BLM):c.2831G>A (p.Cys944Tyr)

Gene: BLM (BLM RecQ like helicase; plus strand). Cytogenetic location: 15q26.1.
Variant type: single nucleotide variant.
Coding change: c.2831G>A on transcript NM_000057.4 (MANE Select); coding-DNA position 2831, G replaced by A.
Protein change: p.Cys944Tyr; replaces cysteine 944 with tyrosine.
Molecular consequence: missense variant.
Genome position (GRCh38, 1-based): chr15:90,790,656, G>A. VCF-style: chr15-90790656-G-A. GRCh37 (hg19) VCF-style: chr15-91333886-G-A.
Other names: c.2831G>A, p.Cys944Tyr (NM_001287246.2, NM_001287247.2); c.1706G>A, p.Cys569Tyr (NM_001287248.2); short protein forms C569Y, C944Y.
Identifiers: ClinVar variation 4824938 (VCV004824938.1).

ClinVar aggregate classification (germline): Uncertain significance (1 of 4 stars; one submission).

Conditions:
Hereditary cancer-predisposing syndrome. Also called: Neoplastic Syndromes, Hereditary; Tumor predisposition; Hereditary Cancer Syndrome; Hereditary neoplastic syndrome. Identifiers: Orphanet 140162, MedGen C0027672, MeSH D009386, MONDO:0015356.

gnomAD v4.1: 1 of 1,614,070 alleles (0.000062%); highest among the groups gnomAD compares: Non-Finnish European, 0.000085%; no homozygotes.

Submission:

Ambry Genetics
Classification: Uncertain significance for Hereditary cancer-predisposing syndrome. Last evaluated: 2026-01-20. Review status: criteria provided, single submitter. Criteria: Ambry Variant Classification Scheme 2023. Collection method: clinical testing. Allele origin: germline.
Comment: The p.C944Y variant (also known as c.2831G>A), located in coding exon 14 of the BLM gene, results from a G to A substitution at nucleotide position 2831. The cysteine at codon 944 is replaced by tyrosine, an amino acid with highly dissimilar properties. This amino acid position is conserved. In addition, this alteration is predicted to be deleterious by in silico analysis. Based on the available evidence, the clinical significance of this variant remains unclear.